The following is an entry in ClinVar:

NM_016103.4(SAR1B):c.299T>G (p.Val100Gly)

Gene: SAR1B (secretion associated Ras related GTPase 1B; minus strand). Cytogenetic location: 5q31.1.
Variant type: single nucleotide variant.
Coding change: c.299T>G on transcript NM_016103.4 (MANE Select); coding-DNA position 299, T replaced by G.
Protein change: p.Val100Gly; replaces valine 100 with glycine.
Molecular consequence: missense variant.
Genome position (GRCh38, 1-based): chr5:134,609,620, A>C on the plus strand (T>G on the coding strand, the complement: SAR1B is on the minus strand). VCF-style: chr5-134609620-A-C. GRCh37 (hg19) VCF-style: chr5-133945310-A-C.
Other names: c.299T>G, p.Val100Gly (NM_001033503.3); short protein forms V100G.
Identifiers: ClinVar variation 4690194 (VCV004690194.1).

ClinVar aggregate classification (germline): Uncertain significance (1 of 4 stars; one submission).

gnomAD v4.1: 1 of 1,614,188 alleles (0.000062%); highest among the groups gnomAD compares: Non-Finnish European, 0.000085%; no homozygotes.

Submission:

GeneDx
Classification: Uncertain significance. Last evaluated: 2025-07-31. Review status: criteria provided, single submitter. Criteria: GeneDx Variant Classification Process June 2021. Collection method: clinical testing. Allele origin: germline. Affected: yes.
Comment: Not observed at significant frequency in large population cohorts (gnomAD); In silico analysis supports that this missense variant has a deleterious effect on protein structure/function; Has not been previously published as pathogenic or benign to our knowledge